The following is an entry in ClinVar:

NM_004408.4(DNM1):c.2015T>C (p.Ile672Thr)

Gene: DNM1 (dynamin 1; plus strand). Cytogenetic location: 9q34.11.
Variant type: single nucleotide variant.
Coding change: c.2015T>C on transcript NM_004408.4 (MANE Select); coding-DNA position 2015, T replaced by C.
Protein change: p.Ile672Thr; replaces isoleucine 672 with threonine.
Molecular consequence: missense variant.
Genome position (GRCh38, 1-based): chr9:128,248,692, T>C. VCF-style: chr9-128248692-T-C. GRCh37 (hg19) VCF-style: chr9-131010971-T-C.
Other names: c.2015T>C, p.Ile672Thr (NM_001005336.3, NM_001288737.2, NM_001288738.2 and 2 more transcripts); short protein forms I672T.
Identifiers: ClinVar variation 2126423 (VCV002126423.4), dbSNP rs2539114280, ClinGen allele CA375000428.

ClinVar aggregate classification (germline): Uncertain significance (1 of 4 stars; one submission).

Conditions:
Developmental and epileptic encephalopathy, 31A. Also called: Developmental and epileptic encephalopathy, 31; Epileptic encephalopathy, early infantile, 31. Identifiers: Orphanet 2382, MedGen C4225357, MONDO:0014598, OMIM 616346.

Submission:

Labcorp Genetics (formerly Invitae), Labcorp
Classification: Uncertain significance for Developmental and epileptic encephalopathy, 31A. Last evaluated: 2022-05-19. Review status: criteria provided, single submitter. Criteria: Invitae Variant Classification Sherloc (09022015). Collection method: clinical testing. Allele origin: germline.
Comment: In summary, the available evidence is currently insufficient to determine the role of this variant in disease. Therefore, it has been classified as a Variant of Uncertain Significance. Algorithms developed to predict the effect of missense changes on protein structure and function are either unavailable or do not agree on the potential impact of this missense change (SIFT: "Deleterious"; PolyPhen-2: "Possibly Damaging"; Align-GVGD: "Class C0"). This variant has not been reported in the literature in individuals affected with DNM1-related conditions. This variant is not present in population databases (gnomAD no frequency). This sequence change replaces isoleucine, which is neutral and non-polar, with threonine, which is neutral and polar, at codon 672 of the DNM1 protein (p.Ile672Thr).